The following is an entry in ClinVar:

NM_030667.3(PTPRO):c.73A>G (p.Lys25Glu)

Gene: PTPRO (protein tyrosine phosphatase receptor type O; plus strand). Cytogenetic location: 12p12.3.
Variant type: single nucleotide variant.
Coding change: c.73A>G on transcript NM_030667.3 (MANE Select); coding-DNA position 73, A replaced by G.
Protein change: p.Lys25Glu; replaces lysine 25 with glutamic acid.
Molecular consequence: missense variant.
Genome position (GRCh38, 1-based): chr12:15,322,799, A>G. VCF-style: chr12-15322799-A-G. GRCh37 (hg19) VCF-style: chr12-15475733-A-G.
Other names: c.73A>G, p.Lys25Glu (NM_002848.4); short protein forms K25E.
Identifiers: ClinVar variation 1922063 (VCV001922063.4), dbSNP rs531564836, ClinGen allele CA6466166.

ClinVar aggregate classification (germline): Uncertain significance (1 of 4 stars; one submission).

Allele frequency attached by ClinVar (database versions not stated): gnomAD exomes 0.00001; TOPMed 0.00002; gnomAD 0.00003; ExAC 0.00006; 1000 Genomes Project 30x 0.00016; 1000 Genomes Project 0.00020.
gnomAD v4.1: 11 of 1,611,776 alleles (0.00068%); highest among the groups gnomAD compares: East Asian, 0.025%; no homozygotes.

Submission:

Labcorp Genetics (formerly Invitae), Labcorp
Classification: Uncertain significance. Last evaluated: 2024-02-24. Review status: criteria provided, single submitter. Criteria: Invitae Variant Classification Sherloc (09022015). Collection method: clinical testing. Allele origin: germline.
Comment: This sequence change replaces lysine, which is basic and polar, with glutamic acid, which is acidic and polar, at codon 25 of the PTPRO protein (p.Lys25Glu). This variant is present in population databases (rs531564836, gnomAD 0.07%). This variant has not been reported in the literature in individuals affected with PTPRO-related conditions. ClinVar contains an entry for this variant (Variation ID: 1922063). Algorithms developed to predict the effect of missense changes on protein structure and function output the following: SIFT: "Not Available"; PolyPhen-2: "Benign"; Align-GVGD: "Not Available". The glutamic acid amino acid residue is found in multiple mammalian species, which suggests that this missense change does not adversely affect protein function. In summary, the available evidence is currently insufficient to determine the role of this variant in disease. Therefore, it has been classified as a Variant of Uncertain Significance.